The following is an entry in ClinVar:

NM_198253.3(TERT):c.1949G>A (p.Arg650Lys)

Gene: TERT (telomerase reverse transcriptase; minus strand). Cytogenetic location: 5p15.33.
Variant type: single nucleotide variant.
Coding change: c.1949G>A on transcript NM_198253.3 (MANE Select); coding-DNA position 1949, G replaced by A.
Protein change: p.Arg650Lys; replaces arginine 650 with lysine.
Molecular consequence: missense variant. On other transcripts: non-coding transcript variant (2).
Genome position (GRCh38, 1-based): chr5:1,280,159, C>T on the plus strand (G>A on the coding strand, the complement: TERT is on the minus strand). VCF-style: chr5-1280159-C-T. GRCh37 (hg19) VCF-style: chr5-1280274-C-T.
Other names: c.1949G>A, p.Arg650Lys (NM_001193376.3); short protein forms R650K.
Identifiers: ClinVar variation 838858 (VCV000838858.10), dbSNP rs190125817, ClinGen allele CA3184719.

ClinVar aggregate classification (germline): Conflicting classifications of pathogenicity. Review status: criteria provided, conflicting classifications (1 of 4 stars). 4 submissions from 4 submitters: Uncertain significance (3); Likely benign (1). Last evaluated 2025-04-24.

Conditions:
Idiopathic Pulmonary Fibrosis. Also called: Idiopathic fibrosing alveolitis, chronic form; idiopathic fibrosing alveolitis. Identifiers: Orphanet 2032, MedGen C1800706, MeSH D054990, MONDO:0800504.
Dyskeratosis congenita, autosomal dominant 2. Identifiers: MedGen C3151443, MONDO:0013521, OMIM 613989.
Melanoma, cutaneous malignant, susceptibility to, 9. Also called: Cutaneous malignant melanoma 9. Identifiers: Orphanet 618, MedGen C3554574, MONDO:0014056, OMIM 615134.
Acute myeloid leukemia (AML). Also called: Acute myeloid leukemia, adult; AML adult; Acute non-lymphocytic leukemia; Acute granulocytic leukemia; Leukemia, acute myeloid, somatic; Leukemia, acute myelogenous, somatic. Identifiers: Orphanet 519, MedGen C0023467, MeSH D015470, MONDO:0018874, OMIM 601626, HP:0004808. Disease mechanism: Constitutively activated FLT3.
Pulmonary fibrosis and/or bone marrow failure, Telomere-related, 1. Also called: PULMONARY FIBROSIS AND/OR BONE MARROW FAILURE SYNDROME, TELOMERE-RELATED, 1. Identifiers: Orphanet 88, MedGen C3553617, MONDO:0013878, OMIM 614742.
Dyskeratosis congenita. Identifiers: Orphanet 1775, MedGen C0265965, MONDO:0015780.

Allele frequency attached by ClinVar (database versions not stated): TOPMed 0.00002; gnomAD 0.00003 and 0.00004; gnomAD exomes 0.00003 and 0.00001; 1000 Genomes Project 30x 0.00016; 1000 Genomes Project 0.00020; ExAC 0.00001.

Submissions (4):

Ambry Genetics
Classification: Likely benign for Dyskeratosis congenita. Last evaluated: 2025-04-24. Review status: criteria provided, single submitter. Criteria: Ambry Variant Classification Scheme 2023. Collection method: clinical testing. Allele origin: germline.

Labcorp Genetics (formerly Invitae), Labcorp
Classification: Uncertain significance for Dyskeratosis congenita, autosomal dominant 2; Idiopathic Pulmonary Fibrosis. Last evaluated: 2025-04-07. Review status: criteria provided, single submitter. Criteria: Invitae Variant Classification Sherloc (09022015). Collection method: clinical testing. Allele origin: germline.
Comment: This sequence change replaces arginine, which is basic and polar, with lysine, which is basic and polar, at codon 650 of the TERT protein (p.Arg650Lys). This variant is present in population databases (rs190125817, gnomAD 0.05%). This variant has not been reported in the literature in individuals affected with TERT-related conditions. ClinVar contains an entry for this variant (Variation ID: 838858). Invitae Evidence Modeling of protein sequence and biophysical properties (such as structural, functional, and spatial information, amino acid conservation, physicochemical variation, residue mobility, and thermodynamic stability) indicates that this missense variant is not expected to disrupt TERT protein function with a negative predictive value of 95%. In summary, the available evidence is currently insufficient to determine the role of this variant in disease. Therefore, it has been classified as a Variant of Uncertain Significance.

Fulgent Genetics
Classification: Uncertain significance for Acute myeloid leukemia; Dyskeratosis congenita, autosomal dominant 2; Pulmonary fibrosis and/or bone marrow failure, Telomere-related, 1; Melanoma, cutaneous malignant, susceptibility to, 9. Last evaluated: 2024-04-15. Review status: criteria provided, single submitter. Criteria: ACMG Guidelines, 2015. Collection method: clinical testing. Allele origin: germline.

GeneDx
Classification: Uncertain significance. Last evaluated: 2024-02-16. Review status: criteria provided, single submitter. Criteria: GeneDx Variant Classification Process June 2021. Collection method: clinical testing. Allele origin: germline. Affected: yes.
Comment: In silico analysis supports that this missense variant does not alter protein structure/function; Observed in two individuals with silicosis (PMID: 33323453); This variant is associated with the following publications: (PMID: 37971547, 33323453)